The following is an entry in ClinVar:

ClinVar aggregate classification (germline): Uncertain significance (1 of 4 stars; one submission).

Submission:

Labcorp Genetics (formerly Invitae), Labcorp
Classification: Uncertain significance. Last evaluated: 2022-07-04. Review status: criteria provided, single submitter. Criteria: Invitae Variant Classification Sherloc (09022015). Collection method: clinical testing. Allele origin: germline.
Comment: In summary, the available evidence is currently insufficient to determine the role of this variant in disease. Therefore, it has been classified as a Variant of Uncertain Significance. This variant has not been reported in the literature in individuals affected with IRF4-related conditions. This variant results in a copy number gain of the genomic region encompassing exon(s) 2 of the IRF4 gene. This region includes the initiator codon of the gene. This copy number gain extends beyond the assayed region for this gene and therefore may encompass additional genes. As the precise location of this event is unknown, it may be in tandem or it may be located elsewhere in the genome.

NC_000006.11:g.(?_393153)_(393388_?)dup

Gene: IRF4 (interferon regulatory factor 4; plus strand). Cytogenetic location: 6p25.3.
Variant type: Duplication.
Identifiers: ClinVar variation 2424453 (VCV002424453.3).